The following is an entry in ClinVar:

NM_002016.2(FLG):c.585C>T (p.Asp195=)

Genes: CCDST (cervical cancer associated DHX9 suppressive transcript; plus strand), FLG (filaggrin; minus strand). Cytogenetic location: 1q21.3.
Variant type: single nucleotide variant.
Coding change: c.585C>T on transcript NM_002016.2 (MANE Select); coding-DNA position 585, C replaced by T.
Protein change: p.Asp195=; no amino-acid change (aspartic acid 195 retained).
Molecular consequence: synonymous variant.
Genome position (GRCh38, 1-based): chr1:152,314,301, G>A on the plus strand (C>T on the coding strand, the complement: FLG is on the minus strand). VCF-style: chr1-152314301-G-A. GRCh37 (hg19) VCF-style: chr1-152286777-G-A.
Identifiers: ClinVar variation 3049067 (VCV003049067.2), dbSNP rs375267392, ClinGen allele CA420932745.

ClinVar aggregate classification (germline): Likely benign (0 of 4 stars; one submission).

Conditions:
FLG-related disorder. Also called: FLG-related disorders; FLG-related condition.

gnomAD v4.1: 9 of 1,612,594 alleles (0.00056%); highest among the groups gnomAD compares: South Asian, 0.0011%; no homozygotes.

Submission:

PreventionGenetics, part of Exact Sciences
Classification: Likely benign for FLG-related condition. Last evaluated: 2022-06-13. Review status: no assertion criteria provided. Collection method: clinical testing. Allele origin: germline.
Comment: This variant is classified as likely benign based on ACMG/AMP sequence variant interpretation guidelines (Richards et al. 2015 PMID: 25741868, with internal and published modifications).